The following is an entry in ClinVar:

NM_001042492.3(NF1):c.5927A>G (p.Asp1976Gly)

Gene: NF1 (neurofibromin 1; plus strand). Cytogenetic location: 17q11.2.
Variant type: single nucleotide variant.
Coding change: c.5927A>G on transcript NM_001042492.3 (MANE Select); coding-DNA position 5927, A replaced by G.
Protein change: p.Asp1976Gly; replaces aspartic acid 1976 with glycine.
Molecular consequence: missense variant.
Genome position (GRCh38, 1-based): chr17:31,334,952, A>G. VCF-style: chr17-31334952-A-G. GRCh37 (hg19) VCF-style: chr17-29661970-A-G.
Other names: c.5864A>G, p.Asp1955Gly (NM_000267.4); short protein forms D1955G, D1976G.
Identifiers: ClinVar variation 3237850 (VCV003237850.2), dbSNP rs2151550549.

ClinVar aggregate classification (germline): Uncertain significance (1 of 4 stars; one submission).

Conditions:
Cardiovascular phenotype. Identifiers: MedGen CN230736.
Hereditary cancer-predisposing syndrome. Also called: Neoplastic Syndromes, Hereditary; Tumor predisposition; Hereditary Cancer Syndrome; Hereditary neoplastic syndrome. Identifiers: Orphanet 140162, MedGen C0027672, MeSH D009386, MONDO:0015356.

Submission:

Ambry Genetics
Classification: Uncertain significance for Cardiovascular phenotype; Hereditary cancer-predisposing syndrome. Last evaluated: 2026-07-23. Review status: criteria provided, single submitter. Criteria: Ambry Variant Classification Scheme 2023. Collection method: clinical testing. Allele origin: germline.
Comment: The p.D1955G variant (also known as c.5864A>G), located in coding exon 39 of the NF1 gene, results from an A to G substitution at nucleotide position 5864. The aspartic acid at codon 1955 is replaced by glycine, an amino acid with similar properties. This amino acid position is highly conserved in available vertebrate species. In addition, this alteration is predicted to be deleterious by in silico analysis. Since supporting evidence is limited at this time, the clinical significance of this alteration remains unclear.